The following is an entry in ClinVar:

ClinVar aggregate classification (germline): Pathogenic/Likely pathogenic. Review status: criteria provided, multiple submitters, no conflicts (2 of 4 stars). 2 submissions from 2 submitters: Pathogenic (1); Likely pathogenic (1). Last evaluated 2025-07-02.

Conditions:
Meckel-Gruber syndrome. Also called: DYSENCEPHALIA SPLANCHNOCYSTICA; GRUBER SYNDROME; Dysencephalia splachnocystica. Identifiers: Orphanet 564, MedGen C0265215, MONDO:0018921.
Joubert syndrome. Also called: CEREBELLOPARENCHYMAL DISORDER IV; JOUBERT-BOLTSHAUSER SYNDROME; Familial aplasia of the vermis. Identifiers: Orphanet 475, MedGen C5979921, MONDO:0018772.

Allele frequency attached by ClinVar (database versions not stated): gnomAD exomes below 0.00001 and 0.00001; TOPMed below 0.00001; ExAC 0.00001.
gnomAD v4.1: 2 of 1,613,570 alleles (0.00012%); highest among the groups gnomAD compares: Non-Finnish European, 0.00017%; no homozygotes.

Submissions (2):

Natera, Inc.
Classification: Pathogenic for Joubert syndrome. Last evaluated: 2025-07-02. Review status: criteria provided, single submitter. Criteria: Natera Variant Classification Schema (03/2026). Collection method: clinical testing. Allele origin: germline.
Comment: The c.2304+1G>T variant in RPGRIP1L is a canonical splice donor site variant predicted to affect pre-mRNA splicing, which may result in an abnormal transcript and altered protein product. This variant is expected to result in nonsense mediated decay, truncation, or a dysfunctional protein product. This variant is rare in the general population with a frequency below the threshold expected for the associated phenotype(s). This variant has been observed in one or more individuals affected with the associated recessive disease, as either homozygous or compound heterozygous with a second variant (PMID: 40393193). Given the available evidence, this variant is classified as Pathogenic.

Labcorp Genetics (formerly Invitae), Labcorp
Classification: Likely pathogenic for Joubert syndrome; Meckel-Gruber syndrome. Last evaluated: 2021-10-14. Review status: criteria provided, single submitter. Criteria: Invitae Variant Classification Sherloc (09022015). Collection method: clinical testing. Allele origin: germline.

Literature cited by the submitters: PubMed 40393193 (cited by Natera, Inc.).

NM_015272.5(RPGRIP1L):c.2304+1G>T

Gene: RPGRIP1L (RPGRIP1 like; minus strand). Cytogenetic location: 16q12.2.
Variant type: single nucleotide variant.
Coding change: c.2304+1G>T on transcript NM_015272.5 (MANE Select); the canonical splice donor site of the intron after coding-DNA position 2304, G replaced by T.
Molecular consequence: splice donor variant.
Genome position (GRCh38, 1-based): chr16:53,648,963, C>A on the plus strand (G>T on the coding strand, the complement: RPGRIP1L is on the minus strand). VCF-style: chr16-53648963-C-A. GRCh37 (hg19) VCF-style: chr16-53682875-C-A.
Other names: c.2304+1G>T (NM_001127897.4, NM_001330538.2, NM_001308334.3 and 1 more transcripts).
Identifiers: ClinVar variation 1499312 (VCV001499312.4), dbSNP rs746451396, ClinGen allele CA8057586.